The following is an entry in ClinVar:

ClinVar aggregate classification (germline): Pathogenic (1 of 4 stars; one submission).

Conditions:
Baller-Gerold syndrome (BGS). Also called: CRANIOSYNOSTOSIS WITH RADIAL DEFECTS. Identifiers: Orphanet 1225, MedGen C0265308, MONDO:0009039, OMIM 218600.

Submission:

Labcorp Genetics (formerly Invitae), Labcorp
Classification: Pathogenic for Baller-Gerold syndrome. Last evaluated: 2023-01-14. Review status: criteria provided, single submitter. Criteria: Invitae Variant Classification Sherloc (09022015). Collection method: clinical testing. Allele origin: germline.
Comment: For these reasons, this variant has been classified as Pathogenic. Algorithms developed to predict the effect of sequence changes on RNA splicing suggest that this variant may disrupt the consensus splice site. ClinVar contains an entry for this variant (Variation ID: 1073983). This variant has not been reported in the literature in individuals affected with RECQL4-related conditions. This variant is not present in population databases (gnomAD no frequency). This sequence change creates a premature translational stop signal (p.Val769Trpfs*74) in the RECQL4 gene. It is expected to result in an absent or disrupted protein product. Loss-of-function variants in RECQL4 are known to be pathogenic (PMID: 12734318, 12952869).

Literature cited by the submitters: PubMed 12734318; PubMed 12952869.

NM_004260.4(RECQL4):c.2305del (p.Val769fs)

Gene: RECQL4 (RecQ like helicase 4; minus strand). Cytogenetic location: 8q24.3.
Variant type: Deletion.
Coding change: c.2305del on transcript NM_004260.4 (MANE Select); coding-DNA position 2305, one base deleted (G; older notation c.2305delG).
Protein change: p.Val769fs; shifts the reading frame from valine 769.
Molecular consequence: frameshift variant.
Genome position (GRCh38, 1-based): chr8:144,513,376, C deleted on the plus strand (G on the coding strand, the reverse complement: RECQL4 is on the minus strand); the first of 2 consecutive C bases (chr8:144,513,376-144,513,377); deleting either gives the same sequence. VCF-style (leftmost placement, unchanged base first): chr8-144513375-AC-A. GRCh37 (hg19) VCF-style: chr8-145738758-AC-A.
Other names: short protein forms V769fs.
Identifiers: ClinVar variation 1073983 (VCV001073983.5), dbSNP rs2130679030, ClinGen allele CA2499219180.